The following is an entry in ClinVar:

ClinVar aggregate classification (germline): Uncertain significance (1 of 4 stars; one submission).

Allele frequency attached by ClinVar (database versions not stated): gnomAD exomes below 0.00001; ESP Exome Variant Server 0.00008; ExAC 0.00001.
gnomAD v4.1: 2 of 1,613,058 alleles (0.00012%); highest among the groups gnomAD compares: South Asian, 0.0011%; no homozygotes.

Submission:

GeneDx
Classification: Uncertain significance. Last evaluated: 2017-07-24. Review status: criteria provided, single submitter. Criteria: GeneDx Variant Classification (06012015). Collection method: clinical testing. Allele origin: germline. Affected: yes.
Comment: A variant of uncertain significance has been identified in the PRKG1 gene. The F181S variant has not been published as pathogenic or been reported as benign to our knowledge. This variant is also not observed at a significant frequency in large population cohorts (Lek et al., 2016; 1000 Genomes Consortium et al., 2015; Exome Variant Server). The F181S variant is a non-conservative amino acid substitution, which is likely to impact secondary protein structure as these residues differ in polarity, charge, size and/or other properties. Additionally, this substitution occurs at a position that is conserved across species and in silico analysis predicts this variant is probably damaging to the protein structure/function. Nevertheless, this variant has not been observed in a significant number of affected individuals, and it lacks both segregation and functional studies which would further clarify its pathogenicity.

NM_006258.4(PRKG1):c.542T>C (p.Phe181Ser)

Gene: PRKG1 (protein kinase cGMP-dependent 1; plus strand). Cytogenetic location: 10q21.1.
Variant type: single nucleotide variant.
Coding change: c.542T>C on transcript NM_006258.4 (MANE Select); coding-DNA position 542, T replaced by C.
Protein change: p.Phe181Ser; replaces phenylalanine 181 with serine.
Molecular consequence: missense variant.
Genome position (GRCh38, 1-based): chr10:51,467,786, T>C. VCF-style: chr10-51467786-T-C. GRCh37 (hg19) VCF-style: chr10-53227546-T-C.
Other names: c.497T>C, p.Phe166Ser (NM_001098512.3, LRG_1135t2); c.542T>C, p.Phe181Ser (LRG_1135t1); short protein forms F166S, F181S.
Identifiers: ClinVar variation 450748 (VCV000450748.2), dbSNP rs141293448, ClinGen allele CA5503169.